The following is an entry in ClinVar:

NM_004380.3(CREBBP):c.2736C>T (p.Thr912=)

Gene: CREBBP (CREB binding lysine acetyltransferase; minus strand). Cytogenetic location: 16p13.3.
Variant type: single nucleotide variant.
Coding change: c.2736C>T on transcript NM_004380.3 (MANE Select); coding-DNA position 2736, C replaced by T.
Protein change: p.Thr912=; no amino-acid change (threonine 912 retained).
Molecular consequence: synonymous variant.
Genome position (GRCh38, 1-based): chr16:3,770,714, G>A on the plus strand (C>T on the coding strand, the complement: CREBBP is on the minus strand). VCF-style: chr16-3770714-G-A. GRCh37 (hg19) VCF-style: chr16-3820715-G-A.
Other names: c.2622C>T, p.Thr874= (NM_001079846.1).
Identifiers: ClinVar variation 2646139 (VCV002646139.24), dbSNP rs2052981729, ClinGen allele CA493394885.

ClinVar aggregate classification (germline): Likely benign (1 of 4 stars; one submission).

Allele frequency attached by ClinVar (database versions not stated): gnomAD 0.00001.
gnomAD v4.1: 8 of 1,613,988 alleles (0.0005%); highest among the groups gnomAD compares: South Asian, 0.0066%; no homozygotes.

Submission:

CeGaT Center for Human Genetics Tuebingen
Classification: Likely benign. Last evaluated: 2023-02-01. Review status: criteria provided, single submitter. Criteria: CeGaT Center For Human Genetics Tuebingen Variant Classification Criteria Version 2. Collection method: clinical testing. Allele origin: germline. Affected: yes. Observed: 1 variant allele.
Comment: CREBBP: BP4, BP7